The following is an entry in ClinVar:

NM_000539.3(RHO):c.560G>C (p.Cys187Ser)

Gene: RHO (rhodopsin; plus strand). Cytogenetic location: 3q22.1.
Variant type: single nucleotide variant.
Coding change: c.560G>C on transcript NM_000539.3 (MANE Select); coding-DNA position 560, G replaced by C.
Protein change: p.Cys187Ser; replaces cysteine 187 with serine.
Molecular consequence: missense variant.
Genome position (GRCh38, 1-based): chr3:129,532,280, G>C. VCF-style: chr3-129532280-G-C. GRCh37 (hg19) VCF-style: chr3-129251123-G-C.
Other names: short protein forms C187S.
Identifiers: ClinVar variation 1502009 (VCV001502009.7), dbSNP rs1578280588, ClinGen allele CA354499239.

ClinVar aggregate classification (germline): Conflicting classifications of pathogenicity. Review status: criteria provided, conflicting classifications (1 of 4 stars). 2 submissions from 2 submitters: Likely pathogenic (1); Uncertain significance (1). Last evaluated 2023-10-01.

Conditions:
Retinal dystrophy. Also called: Inherited retinal dystrophy. Identifiers: Orphanet 71862, MedGen C0854723, MeSH D058499, MONDO:0019118, HP:0000556.

Submissions (2):

Dept Of Ophthalmology, Nagoya University
Classification: Uncertain significance for Retinal dystrophy. Last evaluated: 2023-10-01. Review status: criteria provided, single submitter. Criteria: Submitter's publication. Collection method: research. Allele origin: germline. Affected: yes.

Labcorp Genetics (formerly Invitae), Labcorp
Classification: Likely pathogenic. Last evaluated: 2021-08-08. Review status: criteria provided, single submitter. Criteria: Invitae Variant Classification Sherloc (09022015). Collection method: clinical testing. Allele origin: germline.
Comment: This sequence change replaces cysteine with serine at codon 187 of the RHO protein (p.Cys187Ser). The cysteine residue is highly conserved and there is a moderate physicochemical difference between cysteine and serine. This variant is not present in population databases (ExAC no frequency). This missense change has been observed in individual(s) with autosomal dominant retinitis pigmentosa (Invitae). Advanced modeling of protein sequence and biophysical properties (such as structural, functional, and spatial information, amino acid conservation, physicochemical variation, residue mobility, and thermodynamic stability) performed at Invitae indicates that this missense variant is expected to disrupt RHO protein function. This variant disrupts the p.Cys187 amino acid residue in RHO. Other variant(s) that disrupt this residue have been determined to be pathogenic (PMID: 7724183, 26962691). This suggests that this residue is clinically significant, and that variants that disrupt this residue are likely to be disease-causing. In summary, the currently available evidence indicates that the variant is pathogenic, but additional data are needed to prove that conclusively. Therefore, this variant has been classified as Likely Pathogenic.

Literature cited by the submitters: PubMed 7724183 (cited by Labcorp Genetics (formerly Invitae), Labcorp); PubMed 26962691 (cited by Labcorp Genetics (formerly Invitae), Labcorp).